The following is an entry in ClinVar:

ClinVar aggregate classification (germline): Uncertain significance (1 of 4 stars; one submission).

Allele frequency attached by ClinVar (database versions not stated): gnomAD 0.00001; ExAC 0.00002; 1000 Genomes Project 0.00020; 1000 Genomes Project 30x 0.00031.
gnomAD v4.1: 2 of 1,614,100 alleles (0.00012%); highest among the groups gnomAD compares: East Asian, 0.0045%; no homozygotes.

Submission:

Labcorp Genetics (formerly Invitae), Labcorp
Classification: Uncertain significance. Last evaluated: 2023-12-02. Review status: criteria provided, single submitter. Criteria: Invitae Variant Classification Sherloc (09022015). Collection method: clinical testing. Allele origin: germline.
Comment: This sequence change replaces tryptophan, which is neutral and slightly polar, with serine, which is neutral and polar, at codon 344 of the COMP protein (p.Trp344Ser). This variant is present in population databases (rs571146259, gnomAD 0.02%). This variant has not been reported in the literature in individuals affected with COMP-related conditions. Advanced modeling of protein sequence and biophysical properties (such as structural, functional, and spatial information, amino acid conservation, physicochemical variation, residue mobility, and thermodynamic stability) performed at Invitae indicates that this missense variant is not expected to disrupt COMP protein function with a negative predictive value of 80%. In summary, the available evidence is currently insufficient to determine the role of this variant in disease. Therefore, it has been classified as a Variant of Uncertain Significance.

NM_000095.3(COMP):c.1031G>C (p.Trp344Ser)

Gene: COMP (cartilage oligomeric matrix protein; minus strand). Cytogenetic location: 19p13.11.
Variant type: single nucleotide variant.
Coding change: c.1031G>C on transcript NM_000095.3 (MANE Select); coding-DNA position 1031, G replaced by C.
Protein change: p.Trp344Ser; replaces tryptophan 344 with serine.
Molecular consequence: missense variant.
Genome position (GRCh38, 1-based): chr19:18,787,595, C>G on the plus strand (G>C on the coding strand, the complement: COMP is on the minus strand). VCF-style: chr19-18787595-C-G. GRCh37 (hg19) VCF-style: chr19-18898404-C-G.
Other names: short protein forms W344S.
Identifiers: ClinVar variation 2881711 (VCV002881711.3), dbSNP rs571146259, ClinGen allele CA9316557.